The following is an entry in ClinVar:

NM_001122630.2(CDKN1C):c.293T>C (p.Val98Ala)

Gene: CDKN1C (cyclin dependent kinase inhibitor 1C; minus strand). Cytogenetic location: 11p15.4.
Variant type: single nucleotide variant.
Coding change: c.293T>C on transcript NM_001122630.2 (MANE Select); coding-DNA position 293, T replaced by C.
Protein change: p.Val98Ala; replaces valine 98 with alanine.
Molecular consequence: missense variant. On other transcripts: intron variant (1).
Genome position (GRCh38, 1-based): chr11:2,885,164, A>G on the plus strand (T>C on the coding strand, the complement: CDKN1C is on the minus strand). VCF-style: chr11-2885164-A-G. GRCh37 (hg19) VCF-style: chr11-2906394-A-G.
Other names: c.293T>C, p.Val98Ala (NM_001122631.2); c.326T>C, p.Val109Ala (NM_001362474.2, NM_000076.2); c.255+38T>C (NM_001362475.2); short protein forms V109A, V98A.
Identifiers: ClinVar variation 1386602 (VCV001386602.6), dbSNP rs2133785293, ClinGen allele CA379146927.
Genomic context (GRCh38, chr11:2,885,164, plus strand): 5'-AGGCCGTCGAGGGACTCAGCGGCCGGCTCGAGGGGCGGGCTGACAGCCACCGCGACCGCG[A>G]CGGGCCGCGGCGCCAGCAGCAGGCGGCAGCGCCCCACCTGCACCGTCTCGCGGTAGAACG-3'
Protein context (NP_001116102.1, residues 88-108): RCRLLLAPRP[Val98Ala]AVAVAVSPPL

ClinVar aggregate classification (germline): Uncertain significance (1 of 4 stars; one submission).

Conditions:
Beckwith-Wiedemann syndrome (BWS). Also called: Exomphalos macroglossia gigantism syndrome; EMG SYNDROME. Identifiers: Orphanet 116, MedGen C0004903, MONDO:0007534, OMIM 130650.

Allele frequency attached by ClinVar (database versions not stated): gnomAD exomes below 0.00001.

Submission:

Labcorp Genetics (formerly Invitae), Labcorp
Classification: Uncertain significance for Beckwith-Wiedemann syndrome. Last evaluated: 2024-04-10. Review status: criteria provided, single submitter. Criteria: Invitae Variant Classification Sherloc (09022015). Collection method: clinical testing. Allele origin: germline.
Comment: This sequence change replaces valine, which is neutral and non-polar, with alanine, which is neutral and non-polar, at codon 109 of the CDKN1C protein (p.Val109Ala). This variant is not present in population databases (gnomAD no frequency). This variant has not been reported in the literature in individuals affected with CDKN1C-related conditions. ClinVar contains an entry for this variant (Variation ID: 1386602). Advanced modeling of protein sequence and biophysical properties (such as structural, functional, and spatial information, amino acid conservation, physicochemical variation, residue mobility, and thermodynamic stability) performed at Invitae indicates that this missense variant is not expected to disrupt CDKN1C protein function with a negative predictive value of 80%. In summary, the available evidence is currently insufficient to determine the role of this variant in disease. Therefore, it has been classified as a Variant of Uncertain Significance.